The following is an entry in ClinVar:

ClinVar aggregate classification (germline): Likely pathogenic (1 of 4 stars; one submission).

Conditions:
Anemia, nonspherocytic hemolytic, due to G6PD deficiency (CNSHA1). Also called: Hemolytic anemia due to G6PD deficiency; Class I glucose-6-phosphate dehydrogenase deficiency; Favism, susceptibility to; ANEMIA, CONGENITAL, NONSPHEROCYTIC HEMOLYTIC, 1. Identifiers: Orphanet 466026, MedGen C2720289, MONDO:0010480, OMIM 300908.

Submission:

Dunham Lab, University of Washington
Classification: Likely pathogenic for Anemia, nonspherocytic hemolytic, due to G6PD deficiency. Last evaluated: 2022-08-12. Review status: criteria provided, single submitter. Criteria: Bayesian ACMG Guidelines, 2018. Collection method: curation. Allele origin: unknown. Affected: yes.
Comment: Decreased activity in red blood cells (17%) (PS3). Leads to deletion of six amino acids (PM4). Not found in gnomAD (PM2). Post_P 0.988 (odds of pathogenicity 729.3, Prior_P 0.1).

Literature cited by the submitters: PubMed 21397531.

NM_001360016.2(G6PD):c.1084_1101del (p.Leu362_Ala367del)

Gene: G6PD (glucose-6-phosphate dehydrogenase; minus strand). Cytogenetic location: Xq28.
Variant type: Deletion.
Coding change: c.1084_1101del on transcript NM_001360016.2 (MANE Select); coding-DNA positions 1084 to 1101, 18 bases deleted (CTGAACGAGCGCAAGGCC).
Protein change: p.Leu362_Ala367del.
Molecular consequence: inframe deletion.
Genome position (GRCh38, 1-based): chrX:154,532,753-154,532,770, GGCCTTGCGCTCGTTCAG deleted on the plus strand (CTGAACGAGCGCAAGGCC on the coding strand, the reverse complement: G6PD is on the minus strand); deleting any 18 consecutive bases within chrX:154,532,753-154,532,778 gives the same sequence; the c. name uses the placement nearest the transcript's 3' end. VCF-style (leftmost placement, unchanged base first): chrX-154532752-CGGCCTTGCGCTCGTTCAG-C. GRCh37 (hg19) VCF-style: chrX-153760967-CGGCCTTGCGCTCGTTCAG-C.
Other names: G6PD Tondela; c.1174_1191del, p.Leu392_Ala397del (NM_000402.4); c.1084_1101del, p.Leu362_Ala367del (NM_001042351.3).
Identifiers: ClinVar variation 1722613 (VCV001722613.2), dbSNP rs2523263007, ClinGen allele CA2580101791.